The following is an entry in ClinVar:

ClinVar aggregate classification (germline): Uncertain significance. Review status: criteria provided, multiple submitters, no conflicts (2 of 4 stars). 2 submissions from 2 submitters: Uncertain significance (2). Last evaluated 2025-05-20.

Conditions:
Progressive myoclonic epilepsy type 8. Identifiers: Orphanet 424027, MedGen C5190825, MONDO:0014545, OMIM 616230.

Allele frequency attached by ClinVar (database versions not stated): gnomAD 0.00001; TOPMed 0.00001.
gnomAD v4.1: 21 of 1,613,684 alleles (0.0013%); highest among the groups gnomAD compares: Non-Finnish European, 0.0017%; no homozygotes.

Submissions (2):

Ambry Genetics
Classification: Uncertain significance. Last evaluated: 2025-05-20. Review status: criteria provided, single submitter. Criteria: Ambry Variant Classification Scheme 2023. Collection method: clinical testing. Allele origin: germline.

Labcorp Genetics (formerly Invitae), Labcorp
Classification: Uncertain significance for Progressive myoclonic epilepsy type 8. Last evaluated: 2023-03-18. Review status: criteria provided, single submitter. Criteria: Invitae Variant Classification Sherloc (09022015). Collection method: clinical testing. Allele origin: germline.
Comment: An algorithm developed to predict the effect of missense changes on protein structure and function (PolyPhen-2) suggests that this variant is likely to be tolerated. In summary, the available evidence is currently insufficient to determine the role of this variant in disease. Therefore, it has been classified as a Variant of Uncertain Significance. This variant has not been reported in the literature in individuals affected with CERS1-related conditions. This sequence change replaces valine, which is neutral and non-polar, with leucine, which is neutral and non-polar, at codon 314 of the CERS1 protein (p.Val314Leu). This variant is present in population databases (no rsID available, gnomAD 0.002%).

NM_021267.5(CERS1):c.940G>T (p.Val314Leu)

Genes: CERS1 (ceramide synthase 1; minus strand), GDF1 (growth differentiation factor 1; minus strand). Cytogenetic location: 19p13.11.
Variant type: single nucleotide variant.
Coding change: c.940G>T on transcript NM_021267.5 (MANE Select); coding-DNA position 940, G replaced by T.
Protein change: p.Val314Leu; replaces valine 314 with leucine.
Molecular consequence: missense variant. On other transcripts: 5 prime UTR variant (1), intron variant (1).
Genome position (GRCh38, 1-based): chr19:18,879,000, C>A on the plus strand (G>T on the coding strand, the complement: CERS1 is on the minus strand). VCF-style: chr19-18879000-C-A. GRCh37 (hg19) VCF-style: chr19-18989809-C-A.
Other names: c.646G>T, p.Val216Leu (NM_001290265.2, NM_001387442.1, NM_001387443.1 and 2 more transcripts); c.940G>T, p.Val314Leu (NM_001387439.1, NM_001387440.1, NM_198207.3); c.895G>T, p.Val299Leu (NM_001387441.1); c.-383G>T (NM_001492.6); c.-313+5087G>T (NM_001387438.1); c.940G>T (NM_021267.3); short protein forms V299L, V216L, V314L.
Identifiers: ClinVar variation 2918190 (VCV002918190.4), dbSNP rs1376108272, ClinGen allele CA404865277.
Genomic context (GRCh38, chr19:18,879,000, plus strand): 5'-TGGGCTTCAGGCTCTGGGCCTCGGCTGTGTCATACTCCCGCAGGTCCTTCAGCTCGTGCA[C>A]CTGGCCTGTCAACACCTTGGCTGCAAACGCCACGATGTACTGCGAGAGGGGAGGGGAGGT-3'
Protein context (NP_067090.1, residues 304-324): AFAAKVLTGQ[Val314Leu]HELKDLREYD